The following is an entry in ClinVar:

ClinVar aggregate classification (germline): Uncertain significance. Review status: criteria provided, multiple submitters, no conflicts (2 of 4 stars). 3 submissions from 3 submitters: Uncertain significance (3). Last evaluated 2025-09-28.

Conditions:
Familial thoracic aortic aneurysm and aortic dissection (TAAD). Also called: Thoracic aortic aneurysms and dissections. Identifiers: Orphanet 91387, MedGen C4707243, MONDO:0019625.
Ehlers-Danlos syndrome, kyphoscoliotic type 1 (EDSKSCL1). Also called: EHLERS-DANLOS SYNDROME, TYPE VIA; Ehlers-Danlos syndrome, hydroxylysine-deficient; EHLERS-DANLOS SYNDROME, OCULAR-SCOLIOTIC TYPE; PLOD1-Related Kyphoscoliotic Ehlers-Danlos Syndrome. Identifiers: Orphanet 1900, MedGen C0268342, MONDO:0016002, OMIM 225400. Disease mechanism: loss of function.

Allele frequency attached by ClinVar (database versions not stated): TOPMed 0.00001; gnomAD exomes below 0.00001.
gnomAD v4.1: 1 of 1,614,056 alleles (0.000062%); highest among the groups gnomAD compares: Admixed American, 0.0017%; no homozygotes.

Submissions (3):

Ambry Genetics
Classification: Uncertain significance for Familial thoracic aortic aneurysm and aortic dissection. Last evaluated: 2025-09-28. Review status: criteria provided, single submitter. Criteria: Ambry Variant Classification Scheme 2023. Collection method: clinical testing. Allele origin: germline.

Centre of Medical Genetics, University of Antwerp
Classification: Uncertain significance for Familial thoracic aortic aneurysm and aortic dissection. Last evaluated: 2024-09-06. Review status: criteria provided, single submitter. Criteria: ACMG Guidelines, 2015. Collection method: clinical testing. Allele origin: germline. Affected: yes.

Labcorp Genetics (formerly Invitae), Labcorp
Classification: Uncertain significance for Ehlers-Danlos syndrome, kyphoscoliotic type 1. Last evaluated: 2022-02-21. Review status: criteria provided, single submitter. Criteria: Invitae Variant Classification Sherloc (09022015). Collection method: clinical testing. Allele origin: germline.
Comment: This sequence change replaces glutamine, which is neutral and polar, with arginine, which is basic and polar, at codon 180 of the PLOD1 protein (p.Gln180Arg). This variant is not present in population databases (gnomAD no frequency). This variant has not been reported in the literature in individuals affected with PLOD1-related conditions. Algorithms developed to predict the effect of missense changes on protein structure and function are either unavailable or do not agree on the potential impact of this missense change (SIFT: "Deleterious"; PolyPhen-2: "Benign"; Align-GVGD: "Class C35"). In summary, the available evidence is currently insufficient to determine the role of this variant in disease. Therefore, it has been classified as a Variant of Uncertain Significance.

NM_000302.4(PLOD1):c.539A>G (p.Gln180Arg)

Gene: PLOD1 (procollagen-lysine,2-oxoglutarate 5-dioxygenase 1; plus strand). Cytogenetic location: 1p36.22.
Variant type: single nucleotide variant.
Coding change: c.539A>G on transcript NM_000302.4 (MANE Select); coding-DNA position 539, A replaced by G.
Protein change: p.Gln180Arg; replaces glutamine 180 with arginine.
Molecular consequence: missense variant.
Genome position (GRCh38, 1-based): chr1:11,952,695, A>G. VCF-style: chr1-11952695-A-G. GRCh37 (hg19) VCF-style: chr1-12012752-A-G.
Other names: c.539A>G (NM_000302.3); c.680A>G, p.Gln227Arg (NM_001316320.2); short protein forms Q180R, Q227R.
Identifiers: ClinVar variation 2086005 (VCV002086005.3), dbSNP rs1645711556, ClinGen allele CA338428358.